The following is an entry in ClinVar:

NM_000059.4(BRCA2):c.7505G>A (p.Arg2502His)

Gene: BRCA2 (BRCA2 DNA repair associated; plus strand). Cytogenetic location: 13q13.1.
Variant type: single nucleotide variant.
Coding change: c.7505G>A on transcript NM_000059.4 (MANE Select); coding-DNA position 7505, G replaced by A.
Protein change: p.Arg2502His; replaces arginine 2502 with histidine.
Molecular consequence: missense variant.
Genome position (GRCh38, 1-based): chr13:32,356,497, G>A. VCF-style: chr13-32356497-G-A. GRCh37 (hg19) VCF-style: chr13-32930634-G-A.
Other names: p.R2502H:CGC>CAC; NP_000050.3:p.Arg2502His; 7733G>A; short protein forms R2502H.
Identifiers: ClinVar variation 52345 (VCV000052345.79), dbSNP rs56070345, ClinGen allele CA025121.

ClinVar aggregate classification (germline): Benign. Review status: reviewed by expert panel (3 of 4 stars). 20 submissions from 20 submitters: Benign (1). 19 of the submissions do not count toward it. Last evaluated 2019-06-18.

Conditions:
BRCA2-related cancer predisposition. Identifiers: MedGen CN377758, MONDO:0700269.
Hereditary cancer-predisposing syndrome. Also called: Hereditary Cancer Syndrome; Tumor predisposition; Neoplastic Syndromes, Hereditary; Hereditary neoplastic syndrome. Identifiers: Orphanet 140162, MedGen C0027672, MeSH D009386, MONDO:0015356.
Hereditary breast ovarian cancer syndrome. Also called: Breast and ovarian cancer; BRCA1- and BRCA2-Associated Hereditary Breast and Ovarian Cancer; Hereditary breast and ovarian cancer; Hereditary breast and ovarian cancer syndrome (HBOC); Hereditary breast and ovarian cancer syndrome; Hereditary breast and/or ovarian cancer syndrome. Identifiers: Orphanet 145, MedGen C0677776, MeSH D061325, MONDO:0003582. Disease mechanism: loss of function.
Breast-ovarian cancer, familial, susceptibility to, 2 (BROVCA2). Also called: BRCA2 Hereditary Breast and Ovarian Cancer. Identifiers: Orphanet 145, MedGen C2675520, MONDO:0012933, OMIM 612555. Disease mechanism: loss of function.

Allele frequency attached by ClinVar (database versions not stated): gnomAD 0.00004 and 0.00006; gnomAD exomes 0.00004 and 0.00006; TOPMed 0.00005; 1000 Genomes Project 0.00020; ExAC 0.00007; 1000 Genomes Project 30x 0.00016.
gnomAD v4.1: 72 of 1,614,174 alleles (0.0045%); highest among the groups gnomAD compares: South Asian, 0.026%; no homozygotes.

Submissions 1 to 16 of 20:

Evidence-based Network for the Interpretation of Germline Mutant Alleles (ENIGMA)
Classification: Benign for Breast-ovarian cancer, familial, susceptibility to, 2. Last evaluated: 2019-06-18. Review status: reviewed by expert panel. Criteria: ENIGMA BRCA1/2 Classification Criteria (2017-06-29). Collection method: curation. Allele origin: germline.
Comment: IARC class based on posterior probability from multifactorial likelihood analysis, thresholds for class as per Plon et al. 2008 (PMID: 18951446). Class 1 based on posterior probability = 0.00054

Labcorp Genetics (formerly Invitae), Labcorp
Classification: Benign for Hereditary breast ovarian cancer syndrome. Last evaluated: 2026-02-03. Review status: criteria provided, single submitter. Criteria: Invitae Variant Classification Sherloc (09022015). Collection method: clinical testing. Allele origin: germline. Not counted in ClinVar's aggregate classification.

Department of Pathology and Laboratory Medicine, Sinai Health System
Classification: Likely benign for BRCA2-related cancer predisposition. Last evaluated: 2025-02-14. Review status: criteria provided, single submitter. Criteria: ACMG Guidelines, 2015. Collection method: clinical testing. Allele origin: germline. Affected: no. Not counted in ClinVar's aggregate classification.

CeGaT Center for Human Genetics Tuebingen
Classification: Likely benign. Last evaluated: 2024-12-01. Review status: criteria provided, single submitter. Criteria: CeGaT Center For Human Genetics Tuebingen Variant Classification Criteria Version 2. Collection method: clinical testing. Allele origin: germline. Affected: yes. Observed: 2 variant alleles. Not counted in ClinVar's aggregate classification.
Comment: BRCA2: BP4, BS3:Supporting, BS1

Blueprint Genetics
Classification: Likely benign. Last evaluated: 2024-11-25. Review status: criteria provided, single submitter. Criteria: ACMG Guidelines, 2015. Collection method: clinical testing. Allele origin: germline. Not counted in ClinVar's aggregate classification.

Mayo Clinic Laboratories, Mayo Clinic
Classification: Benign. Last evaluated: 2024-10-18. Review status: criteria provided, single submitter. Criteria: ACMG Guidelines, 2015. Collection method: clinical testing. Allele origin: germline. Observed: 1 variant allele. Not counted in ClinVar's aggregate classification.
Comment: BS1, BP5_strong

Women's Health and Genetics/Laboratory Corporation of America, LabCorp
Classification: Benign. Last evaluated: 2022-10-03. Review status: criteria provided, single submitter. Criteria: LabCorp Variant Classification Summary - May 2015. Collection method: clinical testing. Allele origin: germline. Not counted in ClinVar's aggregate classification.
Comment: Variant summary: BRCA2 c.7505G>A (p.Arg2502His) results in a non-conservative amino acid change located in the helical domain (IPR015252) of the encoded protein sequence. Four of five in-silico tools predict a benign effect of the variant on protein function. The variant allele was found at a frequency of 7.1e-05 in 252472 control chromosomes, predominantly at a frequency of 0.00029 within the South Asian subpopulation in the gnomAD database. The available data on variant occurrences in the general population are insufficient to allow any conclusion about variant significance. c.7505G>A has been reported in the literature in individuals affected with breast- or ovarian cancer (e.g. Akbari_2011, Gayther_1999, Spearman_2008, Bolognesi_2014, Cunningham_2014, Davies_2018, Kraus_2016, Momozawa_2018), but also in controls (Bolognesi_2014, Balabanski_2014). These report(s) do not provide unequivocal conclusions about association of the variant with Hereditary Breast And Ovarian Cancer Syndrome. Multiple co-occurrences with other pathogenic variant(s) have been observed at our laboratory and in prominent databases (UMD-BRCA1 c.5096G>A, p.Arg1699Gln; Our laboratory-BRCA1 c.68_69delAG; ARUP laboratories-BRCA1, pathogenic variant is not specified), providing supporting evidence for a benign role. Two publications reported experimental evidence evaluating an impact on protein function, and demonstrated no damaging effect on splicing (Houdayer_2012), and no effect on the BRCA2/DSS1 interaction (Caleca_2019). Multiple clinical diagnostic laboratories and an expert panel (ENIGMA) have submitted clinical-significance assessments for this variant to ClinVar after 2014 without evidence for independent evaluation. Multiple submitters reported the variant with a predominant consensus as benign/likely benign (n=11) (VUS, n=2). Based on the evidence outlined above, the variant was classified as benign.

Genetic Services Laboratory, University of Chicago
Classification: Likely benign. Last evaluated: 2021-12-08. Review status: criteria provided, single submitter. Criteria: ACMG Guidelines, 2015. Collection method: clinical testing. Allele origin: germline. Affected: no. Not counted in ClinVar's aggregate classification.

National Health Laboratory Service, Universitas Academic Hospital and University of the Free State
Classification: Benign for Hereditary breast ovarian cancer syndrome. Last evaluated: 2021-11-16. Review status: criteria provided, single submitter. Criteria: ACMG Guidelines, 2015. Collection method: clinical testing. Allele origin: germline. Affected: yes. Observed: 1 variant allele. Not counted in ClinVar's aggregate classification.

Institute for Clinical Genetics, University Hospital TU Dresden, University Hospital TU Dresden
Classification: Uncertain significance. Last evaluated: 2021-11-03. Review status: criteria provided, single submitter. Criteria: ACMG Guidelines, 2015. Collection method: clinical testing. Allele origin: germline. Not counted in ClinVar's aggregate classification.

Sema4
Classification: Likely benign for Hereditary cancer-predisposing syndrome. Last evaluated: 2021-06-28. Review status: criteria provided, single submitter. Criteria: Sema4 Curation Guidelines. Collection method: curation. Allele origin: germline. Not counted in ClinVar's aggregate classification.

GeneDx
Classification: Likely benign. Last evaluated: 2021-03-09. Review status: criteria provided, single submitter. Criteria: GeneDx Variant Classification Process June 2021. Collection method: clinical testing. Allele origin: germline. Affected: yes. Not counted in ClinVar's aggregate classification.
Comment: This variant is associated with the following publications: (PMID: 10486320, 24504028, 19043619, 24772314, 21702907, 25583476, 18824701, 10882858, 25415331, 22505045, 28222693, 27616075, 28263838, 30696104)

Quest Diagnostics Nichols Institute San Juan Capistrano
Classification: Likely benign. Last evaluated: 2018-08-09. Review status: criteria provided, single submitter. Criteria: Quest Diagnostics criteria. Collection method: clinical testing. Allele origin: germline. Not counted in ClinVar's aggregate classification.

ARUP Laboratories, Molecular Genetics and Genomics, ARUP Laboratories
Classification: Likely benign. Last evaluated: 2018-04-16. Review status: criteria provided, single submitter. Criteria: ARUP Molecular Germline Variant Investigation Process. Collection method: clinical testing. Allele origin: germline. Not counted in ClinVar's aggregate classification.
Comment: The BRCA2 c.7505G>A; p.Arg2502His variant (rs56070345) is reported in patients with breast and ovarian cancer (Akbari 2011, Gayther 1999, Spearman 2008), but also in an unaffected individual (Balabanski 2014). This variant is reported in ClinVar (Variation ID: 52345) and found in the general population with an overall allele frequency of 0.007% (17/246182 alleles) in the Genome Aggregation Database. The arginine at codon 2502 is weakly conserved, and computational analyses (SIFT, PolyPhen-2) predict that this variant is tolerated. Based on available information, this variant is considered to be likely benign. REFERENCES Akbari MR et al. Clinical impact of unclassified variants of the BRCA1 and BRCA2 genes. J Med Genet. 2011 Nov;48(11):783-6. Balabanski L et al. Next-generation sequencing of BRCA1 and BRCA2 in breast cancer patients and control subjects. Mol Clin Oncol. 2014 May;2(3):435-439. Gayther SA et al. The contribution of germline BRCA1 and BRCA2 mutations to familial ovarian cancer: no evidence for other ovarian cancer-susceptibility genes. Am J Hum Genet. 1999 Oct;65(4):1021-9. Spearman AD et al. Clinically applicable models to characterize BRCA1 and BRCA2 variants of uncertain significance. J Clin Oncol. 2008 Nov 20;26(33):5393-400.

Ambry Genetics
Classification: Benign for Hereditary cancer-predisposing syndrome. Last evaluated: 2017-12-22. Review status: criteria provided, single submitter. Criteria: Ambry Variant Classification Scheme 2023. Collection method: clinical testing. Allele origin: germline. Not counted in ClinVar's aggregate classification.

PreventionGenetics, part of Exact Sciences
Classification: Likely benign. Last evaluated: 2017-10-19. Review status: criteria provided, single submitter. Criteria: ACMG Guidelines, 2015. Collection method: clinical testing. Allele origin: germline. Not counted in ClinVar's aggregate classification.